The following is an entry in ClinVar:

NM_001093.4(ACACB):c.3127C>T (p.Gln1043Ter)

Gene: ACACB (acetyl-CoA carboxylase beta; plus strand). Cytogenetic location: 12q24.11.
Variant type: single nucleotide variant.
Coding change: c.3127C>T on transcript NM_001093.4 (MANE Select); coding-DNA position 3127, C replaced by T.
Protein change: p.Gln1043Ter; replaces glutamine 1043 with a stop codon.
Molecular consequence: nonsense. On other transcripts: intron variant (1).
Genome position (GRCh38, 1-based): chr12:109,209,231, C>T. VCF-style: chr12-109209231-C-T. GRCh37 (hg19) VCF-style: chr12-109647036-C-T.
Other names: c.2521C>T, p.Gln841Ter (NM_001412741.1, NM_001412736.1, NM_001412739.1); c.2454+2375C>T (NM_001412738.1); c.3127C>T, p.Gln1043Ter (NM_001412734.1, NM_001412735.1); c.2500C>T, p.Gln834Ter (NM_001412737.1); short protein forms Q1043*, Q834*, Q841*.
Identifiers: ClinVar variation 5001497 (VCV005001497.1).
Genomic context (GRCh38, chr12:109,209,231, plus strand): 5'-GAGTGGGTGCAGAAGCTCATGATGACCCTCCGGCACCCGTCACTGCCGCTGCTGGAGCTG[C>T]AGGAGATCATGACCAGCGTGGCAGGCCGCATCCCCGCCCCTGTGGAGAAGTCTGTCCGCA-3'

ClinVar aggregate classification (germline): Uncertain significance (1 of 4 stars; one submission).

Conditions:
ACACB-related disorder. Also called: ACACB-related condition.

gnomAD v4.1: 2 of 1,611,102 alleles (0.00012%); highest among the groups gnomAD compares: Non-Finnish European, 0.00017%; no homozygotes.

Submission:

PreventionGenetics, part of Exact Sciences
Classification: Uncertain significance for ACACB-related condition. Last evaluated: 2025-01-24. Review status: criteria provided, single submitter. Criteria: ACMG Guidelines, 2015. Collection method: clinical testing. Allele origin: germline.
Comment: The ACACB c.3127C>T variant is predicted to result in premature protein termination (p.Gln1043*). To our knowledge, this variant has not been reported in the literature or in a large population database (gnomAD), indicating this variant is rare. At this time, the clinical significance of this variant is uncertain due to the absence of conclusive functional and genetic evidence.